The following is an entry in ClinVar:

NM_000214.3(JAG1):c.838T>G (p.Trp280Gly)

Gene: JAG1 (jagged canonical Notch ligand 1; minus strand). Cytogenetic location: 20p12.2.
Variant type: single nucleotide variant.
Coding change: c.838T>G on transcript NM_000214.3 (MANE Select); coding-DNA position 838, T replaced by G.
Protein change: p.Trp280Gly; replaces tryptophan 280 with glycine.
Molecular consequence: missense variant.
Genome position (GRCh38, 1-based): chr20:10,652,516, A>C on the plus strand (T>G on the coding strand, the complement: JAG1 is on the minus strand). VCF-style: chr20-10652516-A-C. GRCh37 (hg19) VCF-style: chr20-10633164-A-C.
Other names: short protein forms W280G.
Identifiers: ClinVar variation 2108779 (VCV002108779.4), dbSNP rs2514521710, ClinGen allele CA408239303.
Genomic context (GRCh38, chr20:10,652,516, plus strand): 5'-TAAGGGCCATACCTTTGTCACAGAGCTGGCCGCCCCAGTTGGTCTCACAGAGGCACTGCC[A>C]GGGCTCATTACAGATGCCGTGGACGCATCCCGGGTGTGGGATGCACTTATCACAGTACAG-3'
Protein context (NP_000205.1, residues 270-290): GCVHGICNEP[Trp280Gly]QCLCETNWGG

ClinVar aggregate classification (germline): Uncertain significance (1 of 4 stars; one submission).

Conditions:
Alagille syndrome due to a JAG1 point mutation. Also called: JAG1-Related Alagille Syndrome; HEPATIC DUCTULAR HYPOPLASIA, SYNDROMATIC; Alagille Syndrome 1. Identifiers: Orphanet 261619, Orphanet 52, MedGen C1956125, MONDO:0016862, OMIM 118450.

Submission:

Labcorp Genetics (formerly Invitae), Labcorp
Classification: Uncertain significance for Alagille syndrome due to a JAG1 point mutation. Last evaluated: 2022-10-05. Review status: criteria provided, single submitter. Criteria: Invitae Variant Classification Sherloc (09022015). Collection method: clinical testing. Allele origin: germline.
Comment: In summary, the available evidence is currently insufficient to determine the role of this variant in disease. Therefore, it has been classified as a Variant of Uncertain Significance. Algorithms developed to predict the effect of missense changes on protein structure and function (SIFT, PolyPhen-2, Align-GVGD) all suggest that this variant is likely to be disruptive. This variant has not been reported in the literature in individuals affected with JAG1-related conditions. This variant is not present in population databases (gnomAD no frequency). This sequence change replaces tryptophan, which is neutral and slightly polar, with glycine, which is neutral and non-polar, at codon 280 of the JAG1 protein (p.Trp280Gly).